The following is an entry in ClinVar:

NM_001369.3(DNAH5):c.2944C>T (p.Arg982Cys)

Genes: DNAH5-AS1 (DNAH5 antisense RNA 1; plus strand), DNAH5 (dynein axonemal heavy chain 5; minus strand). Cytogenetic location: 5p15.2.
Variant type: single nucleotide variant.
Coding change: c.2944C>T on transcript NM_001369.3 (MANE Select); coding-DNA position 2944, C replaced by T.
Protein change: p.Arg982Cys; replaces arginine 982 with cysteine.
Molecular consequence: missense variant.
Genome position (GRCh38, 1-based): chr5:13,885,028, G>A on the plus strand (C>T on the coding strand, the complement: DNAH5 is on the minus strand). VCF-style: chr5-13885028-G-A. GRCh37 (hg19) VCF-style: chr5-13885137-G-A.
Other names: short protein forms R982C.
Identifiers: ClinVar variation 454762 (VCV000454762.11), dbSNP rs143673459, ClinGen allele CA3204450.

ClinVar aggregate classification (germline): Conflicting classifications of pathogenicity. Review status: criteria provided, conflicting classifications (1 of 4 stars). 3 submissions from 3 submitters: Uncertain significance (1); Benign (1). 1 of the submissions does not count toward it. Last evaluated 2025-05-27.

Conditions:
Primary ciliary dyskinesia. Also called: Ciliary dyskinesia. Identifiers: Orphanet 244, MedGen C0008780, MONDO:0016575, HP:0012265.

Allele frequency attached by ClinVar (database versions not stated): ExAC 0.00002; gnomAD exomes 0.00002 and 0.00003; gnomAD 0.00003 and 0.00004; TOPMed 0.00003; ESP Exome Variant Server 0.00008; 1000 Genomes Project 30x 0.00016; 1000 Genomes Project 0.00020.
gnomAD v4.1: 27 of 1,614,192 alleles (0.0017%); highest among the groups gnomAD compares: Middle Eastern, 0.016%; no homozygotes.

Submissions (3):

Labcorp Genetics (formerly Invitae), Labcorp
Classification: Benign for Primary ciliary dyskinesia. Last evaluated: 2025-05-27. Review status: criteria provided, single submitter. Criteria: Invitae Variant Classification Sherloc (09022015). Collection method: clinical testing. Allele origin: germline.

Ambry Genetics
Classification: Uncertain significance for Primary ciliary dyskinesia. Last evaluated: 2023-10-31. Review status: criteria provided, single submitter. Criteria: Ambry Variant Classification Scheme 2023. Collection method: clinical testing. Allele origin: germline.
Comment: The p.R982C variant (also known as c.2944C>T), located in coding exon 19 of the DNAH5 gene, results from a C to T substitution at nucleotide position 2944. The arginine at codon 982 is replaced by cysteine, an amino acid with highly dissimilar properties. This amino acid position is highly conserved in available vertebrate species. In addition, the in silico prediction for this alteration is inconclusive. Since supporting evidence is limited at this time, the clinical significance of this alteration remains unclear.

Natera, Inc.
Classification: Uncertain significance for Primary ciliary dyskinesia. Last evaluated: 2021-01-05. Review status: no assertion criteria provided. Collection method: clinical testing. Allele origin: germline. Not counted in ClinVar's aggregate classification.